The following is an entry in ClinVar:

NM_032776.3(JMJD1C):c.2239A>G (p.Thr747Ala)

Gene: JMJD1C (jumonji domain containing 1C; minus strand). Cytogenetic location: 10q21.3.
Variant type: single nucleotide variant.
Coding change: c.2239A>G on transcript NM_032776.3 (MANE Select); coding-DNA position 2239, A replaced by G.
Protein change: p.Thr747Ala; replaces threonine 747 with alanine.
Molecular consequence: missense variant. On other transcripts: non-coding transcript variant (1).
Genome position (GRCh38, 1-based): chr10:63,213,928, T>C on the plus strand (A>G on the coding strand, the complement: JMJD1C is on the minus strand). VCF-style: chr10-63213928-T-C. GRCh37 (hg19) VCF-style: chr10-64973688-T-C.
Other names: c.1693A>G, p.Thr565Ala (NM_001282948.2, NM_001318154.2); c.1375A>G, p.Thr459Ala (NM_001318153.2); c.2125A>G, p.Thr709Ala (NM_001322252.2); c.1582A>G, p.Thr528Ala (NM_001322254.2, NM_001322258.2); short protein forms T747A, T459A, T528A, T709A, T565A.
Identifiers: ClinVar variation 1036649 (VCV001036649.8), dbSNP rs1847662769, ClinGen allele CA377046395.

ClinVar aggregate classification (germline): Uncertain significance (1 of 4 stars; one submission).

Conditions:
Early Myoclonic Encephalopathy. Identifiers: MedGen C0270855.

Allele frequency attached by ClinVar (database versions not stated): gnomAD exomes below 0.00001.
gnomAD v4.1: 6 of 1,614,102 alleles (0.00037%); highest among the groups gnomAD compares: Non-Finnish European, 0.00051%; no homozygotes.

Submission:

Labcorp Genetics (formerly Invitae), Labcorp
Classification: Uncertain significance for Early Myoclonic Encephalopathy. Last evaluated: 2020-09-01. Review status: criteria provided, single submitter. Criteria: Invitae Variant Classification Sherloc (09022015). Collection method: clinical testing. Allele origin: germline.
Comment: In summary, the available evidence is currently insufficient to determine the role of this variant in disease. Therefore, it has been classified as a Variant of Uncertain Significance. Algorithms developed to predict the effect of missense changes on protein structure and function output the following: SIFT: "Deleterious"; PolyPhen-2: "Benign"; Align-GVGD: "Class C0". The alanine amino acid residue is found in multiple mammalian species, suggesting that this missense change does not adversely affect protein function. These predictions have not been confirmed by published functional studies and their clinical significance is uncertain. This variant has not been reported in the literature in individuals with JMJD1C-related conditions. This variant is not present in population databases (ExAC no frequency). This sequence change replaces threonine with alanine at codon 747 of the JMJD1C protein (p.Thr747Ala). The threonine residue is moderately conserved and there is a small physicochemical difference between threonine and alanine.